The following is an entry in ClinVar:

ClinVar aggregate classification (germline): Uncertain significance (1 of 4 stars; one submission).

Conditions:
Inborn genetic diseases. Identifiers: MedGen C0950123, MeSH D030342.

Submission:

Ambry Genetics
Classification: Uncertain significance for Inborn genetic diseases. Last evaluated: 2026-04-25. Review status: criteria provided, single submitter. Criteria: Ambry Variant Classification Scheme 2023. Collection method: clinical testing. Allele origin: germline.
Comment: The p.S182R variant (also known as c.544A>C), located in coding exon 3 of the KDM1A gene, results from an A to C substitution at nucleotide position 544. The serine at codon 182 is replaced by arginine, an amino acid with dissimilar properties. This amino acid position is conserved. In addition, this alteration is predicted to be tolerated by in silico analysis. Based on the available evidence, the clinical significance of this variant remains unclear.

NM_001009999.3(KDM1A):c.544A>C (p.Ser182Arg)

Gene: KDM1A (lysine demethylase 1A; plus strand). Cytogenetic location: 1p36.12.
Variant type: single nucleotide variant.
Coding change: c.544A>C on transcript NM_001009999.3 (MANE Select); coding-DNA position 544, A replaced by C.
Protein change: p.Ser182Arg; replaces serine 182 with arginine.
Molecular consequence: missense variant. On other transcripts: intron variant (3).
Genome position (GRCh38, 1-based): chr1:23,044,453, A>C. VCF-style: chr1-23044453-A-C. GRCh37 (hg19) VCF-style: chr1-23370946-A-C.
Other names: c.544A>C, p.Ser182Arg (NM_001410762.1); c.518-5934A>C (NM_001363654.2, NM_001410763.1, NM_015013.4); short protein forms S182R.
Identifiers: ClinVar variation 4858723 (VCV004858723.1).